The following is an entry in ClinVar:

ClinVar aggregate classification (germline): Likely pathogenic. Review status: criteria provided, multiple submitters, no conflicts (2 of 4 stars). 2 submissions from 2 submitters: Likely pathogenic (2). Last evaluated 2025-01-07.

Conditions:
Baraitser-Winter syndrome 1 (BRWS1). Also called: PACHYGYRIA, MENTAL RETARDATION, EPILEPSY, AND CHARACTERISTIC FACIES; MENTAL RETARDATION WITH EPILEPSY AND CHARACTERISTIC FACIES; BARAITSER-WINTER SYNDROME 1, ATYPICAL; Cerebrofrontofacial syndrome. Identifiers: Orphanet 2649, Orphanet 2995, MedGen C1855722, MONDO:0009470, OMIM 243310.

Submissions (2):

GeneDx
Classification: Likely pathogenic. Last evaluated: 2025-01-07. Review status: criteria provided, single submitter. Criteria: GeneDx Variant Classification Process June 2021. Collection method: clinical testing. Allele origin: germline. Affected: yes.
Comment: Reported as de novo in an individual with a neurodevelopmental disorder in published literature, but additional clinical information was not included (PMID: 37500730); Not observed at significant frequency in large population cohorts (gnomAD); Missense variants in this gene are a common cause of disease and they are underrepresented in the general population; In silico analysis supports that this missense variant has a deleterious effect on protein structure/function; This variant is associated with the following publications: (PMID: 37500730)

Cytogénomique, Hospices Civils de Lyon
Classification: Likely pathogenic for Baraitser-Winter syndrome 1. Review status: criteria provided, single submitter. Criteria: ACMG Guidelines, 2015. Collection method: clinical testing. Allele origin: de novo. Inheritance: Autosomal dominant inheritance. Affected: yes.

NM_001101.5(ACTB):c.325C>T (p.Pro109Ser)

Gene: ACTB (actin beta; minus strand). Cytogenetic location: 7p22.1.
Variant type: single nucleotide variant.
Coding change: c.325C>T on transcript NM_001101.5 (MANE Select); coding-DNA position 325, C replaced by T.
Protein change: p.Pro109Ser; replaces proline 109 with serine.
Molecular consequence: missense variant.
Genome position (GRCh38, 1-based): chr7:5,529,199, G>A on the plus strand (C>T on the coding strand, the complement: ACTB is on the minus strand). VCF-style: chr7-5529199-G-A. GRCh37 (hg19) VCF-style: chr7-5568830-G-A.
Other names: short protein forms P109S.
Identifiers: ClinVar variation 917875 (VCV000917875.4), dbSNP rs1784829872, ClinGen allele CA366704294.
Genomic context (GRCh38, chr7:5,529,199, plus strand): 5'-GAAGAGGTAGCGGGCCACTCACCTGGGTCATCTTCTCGCGGTTGGCCTTGGGGTTCAGGG[G>A]GGCCTCGGTCAGCAGCACGGGGTGCTCCTCGGGAGCCACACGCAGCTCATTGTAGAAGGT-3'
Protein context (NP_001092.1, residues 99-119): EEHPVLLTEA[Pro109Ser]LNPKANREKM